The following is an entry in ClinVar:

NM_014712.3(SETD1A):c.1957C>G (p.Pro653Ala)

Gene: SETD1A (SET domain containing 1A, histone lysine methyltransferase; plus strand). Cytogenetic location: 16p11.2.
Variant type: single nucleotide variant.
Coding change: c.1957C>G on transcript NM_014712.3 (MANE Select); coding-DNA position 1957, C replaced by G.
Protein change: p.Pro653Ala; replaces proline 653 with alanine.
Molecular consequence: missense variant.
Genome position (GRCh38, 1-based): chr16:30,965,838, C>G. VCF-style: chr16-30965838-C-G. GRCh37 (hg19) VCF-style: chr16-30977159-C-G.
Other names: short protein forms P653A.
Identifiers: ClinVar variation 4279841 (VCV004279841.1).

ClinVar aggregate classification (germline): Uncertain significance (1 of 4 stars; one submission).

Conditions:
Neurodevelopmental disorder with speech impairment and dysmorphic facies. Identifiers: MedGen C5436699, MONDO:0033630, OMIM 619056.
Epilepsy, early-onset, with or without developmental delay. Identifiers: MedGen C5882670, MONDO:0030005, OMIM 618832.

gnomAD v4.1: 1 of 1,608,224 alleles (0.000062%); highest among the groups gnomAD compares: Non-Finnish European, 0.000085%; no homozygotes.

Submission:

Clinical Genomics Laboratory, Washington University in St. Louis
Classification: Uncertain significance for Epilepsy, early-onset, with or without developmental delay; Neurodevelopmental disorder with speech impairment and dysmorphic facies. Last evaluated: 2025-06-25. Review status: criteria provided, single submitter. Criteria: ACMG Guidelines, 2015. Collection method: clinical testing. Allele origin: germline.
Comment: The SETD1A c.1957C>G (p.Pro653Ala) variant, to our knowledge, has not been reported in the medical literature. This variant is only observed on 1/1,456,806 alleles in the general population (gnomAD v.4.1.0), indicating it is not a common variant. Computational predictors are uncertain as to the impact of this variant on SETD1A function. Due to limited information, and based on ACMG/AMP guidelines for variant interpretation (Richards S et al., PMID: 25741868), the clinical significance of this variant is uncertain at this time.